The following is an entry in ClinVar:

ClinVar aggregate classification (germline): Conflicting classifications of pathogenicity. Review status: criteria provided, conflicting classifications (1 of 4 stars). 4 submissions from 3 submitters: Uncertain significance (2); Benign (1); Likely benign (1). Last evaluated 2024-10-01.

Conditions:
Retinitis pigmentosa (RP). Identifiers: Orphanet 791, MedGen C0035334, MeSH D012174, MONDO:0019200, OMIM 268000. Inheritance: Autosomal dominant, autosomal recessive and X linked inheritance.
Retinal dystrophy. Also called: Inherited retinal dystrophy. Identifiers: Orphanet 71862, MedGen C0854723, MeSH D058499, MONDO:0019118, HP:0000556.
Cone-rod dystrophy 10 (CORD10). Identifiers: Orphanet 1872, MedGen C1846529, MONDO:0012464, OMIM 610283.

Allele frequency attached by ClinVar (database versions not stated): gnomAD exomes 0.00001 and 0.00004; ExAC 0.00002; gnomAD 0.00002; 1000 Genomes Project 30x 0.00016; 1000 Genomes Project 0.00020.
gnomAD v4.1: 53 of 1,613,598 alleles (0.0033%); highest among the groups gnomAD compares: East Asian, 0.12%; no homozygotes.

Submissions (4):

Ambry Genetics
Classification: Uncertain significance. Last evaluated: 2024-10-01. Review status: criteria provided, single submitter. Criteria: Ambry Variant Classification Scheme 2023. Collection method: clinical testing. Allele origin: germline.

Dept Of Ophthalmology, Nagoya University
Classification: Benign for Retinal dystrophy. Last evaluated: 2023-10-01. Review status: criteria provided, single submitter. Criteria: Submitter's publication. Collection method: research. Allele origin: germline. Affected: yes.

Illumina Laboratory Services, Illumina
Classification: Likely benign for Retinitis pigmentosa. Last evaluated: 2018-01-13. Review status: criteria provided, single submitter. Criteria: ICSL Variant Classification Criteria 13 December 2019. Collection method: clinical testing. Allele origin: germline.
Comment: This variant was observed in the ICSL laboratory as part of a predisposition screen in an ostensibly healthy population. It had not been previously curated by ICSL or reported in the Human Gene Mutation Database (HGMD: prior to June 1st, 2018), and was therefore a candidate for classification through an automated scoring system. Utilizing variant allele frequency, disease prevalence and penetrance estimates, and inheritance mode, an automated score was calculated to assess if this variant is too frequent to cause the disease. Based on the score and internal cut-off values, a variant classified as likely benign is not then subjected to further curation. The score for this variant resulted in a classification of likely benign for this disease.

Illumina Laboratory Services, Illumina
Classification: Uncertain significance for Cone-rod dystrophy 10. Last evaluated: 2018-01-13. Review status: criteria provided, single submitter. Criteria: ICSL Variant Classification Criteria 13 December 2019. Collection method: clinical testing. Allele origin: germline.

NM_022367.4(SEMA4A):c.712C>T (p.Pro238Ser)

Gene: SEMA4A (semaphorin 4A; plus strand). Cytogenetic location: 1q22.
Variant type: single nucleotide variant.
Coding change: c.712C>T on transcript NM_022367.4 (MANE Select); coding-DNA position 712, C replaced by T.
Protein change: p.Pro238Ser; replaces proline 238 with serine.
Molecular consequence: missense variant.
Genome position (GRCh38, 1-based): chr1:156,160,931, C>T. VCF-style: chr1-156160931-C-T. GRCh37 (hg19) VCF-style: chr1-156130722-C-T.
Other names: c.712C>T, p.Pro238Ser (NM_001193300.2, NM_001193301.2, NM_001370567.1); c.316C>T, p.Pro106Ser (NM_001193302.2); c.415C>T, p.Pro139Ser (NM_001370568.1); c.205C>T, p.Pro69Ser (NM_001370569.1, NM_001370571.1); short protein forms P106S, P238S, P69S, P139S.
Identifiers: ClinVar variation 875440 (VCV000875440.6), dbSNP rs201715448, ClinGen allele CA1155134.